The following is an entry in ClinVar:

NM_032119.4(ADGRV1):c.9593_9594del (p.Gly3198fs)

Gene: ADGRV1 (adhesion G protein-coupled receptor V1; plus strand). Cytogenetic location: 5q14.3.
Variant type: Deletion.
Coding change: c.9593_9594del on transcript NM_032119.4 (MANE Select); coding-DNA positions 9593 to 9594, 2 bases deleted (GG; older notation c.9593_9594delGG).
Protein change: p.Gly3198fs; shifts the reading frame from glycine 3198.
Molecular consequence: frameshift variant. On other transcripts: non-coding transcript variant (1).
Genome position (GRCh38, 1-based): chr5:90,720,193-90,720,194, GG deleted; deleting any 2 consecutive bases within chr5:90,720,191-90,720,194 gives the same sequence; the c. name uses the placement nearest the transcript's 3' end. VCF-style (leftmost placement, unchanged base first): chr5-90720190-TGG-T. GRCh37 (hg19) VCF-style: chr5-90016007-TGG-T.
Other names: short protein forms G3198fs.
Identifiers: ClinVar variation 2115374 (VCV002115374.4), dbSNP rs2531258078, ClinGen allele CA2580073724.
Genomic context (GRCh38, chr5:90,720,190, plus strand): 5'-GTGCTAGACTAGGGGTGCATGTTCAAACCCTGATAACAGTTTTGCAAAACCAGGCCCCTT[TGG>T]GGCTATTCAGTATCTCTGCAGTTGAAAATAGGTATAGTTTATTCATAAGGAAATTATCAC-3'

ClinVar aggregate classification (germline): Pathogenic (1 of 4 stars; one submission).

Submission:

Labcorp Genetics (formerly Invitae), Labcorp
Classification: Pathogenic. Last evaluated: 2022-01-07. Review status: criteria provided, single submitter. Criteria: Invitae Variant Classification Sherloc (09022015). Collection method: clinical testing. Allele origin: germline.
Comment: For these reasons, this variant has been classified as Pathogenic. This variant has not been reported in the literature in individuals affected with ADGRV1-related conditions. This variant is not present in population databases (gnomAD no frequency). This sequence change creates a premature translational stop signal (p.Gly3198Alafs*8) in the ADGRV1 gene. It is expected to result in an absent or disrupted protein product. Loss-of-function variants in ADGRV1 are known to be pathogenic (PMID: 19357117, 22135276, 22147658, 26226137, 26667666, 30029497, 32467589).

Literature cited by the submitters: PubMed 19357117; PubMed 22135276; PubMed 22147658; PubMed 26226137; PubMed 26667666; PubMed 30029497; PubMed 32467589.